The following is an entry in ClinVar:

NM_001109809.5(ZFP57):c.222G>A (p.Ser74=)

Gene: ZFP57 (ZFP57 zinc finger protein; minus strand). Cytogenetic location: 6p22.1.
Variant type: single nucleotide variant.
Coding change: c.222G>A on transcript NM_001109809.5 (MANE Select); coding-DNA position 222, G replaced by A.
Protein change: p.Ser74=; no amino-acid change (serine 74 retained).
Molecular consequence: synonymous variant.
Genome position (GRCh38, 1-based): chr6:29,675,961, C>T on the plus strand (G>A on the coding strand, the complement: ZFP57 is on the minus strand). VCF-style: chr6-29675961-C-T. GRCh37 (hg19) VCF-style: chr6-29643738-C-T.
Other names: c.6G>A, p.Ser2= (NM_001366333.2).
Identifiers: ClinVar variation 2715601 (VCV002715601.4), dbSNP rs546769900, ClinGen allele CA3690871.

ClinVar aggregate classification (germline): Likely benign. Review status: criteria provided, multiple submitters, no conflicts (2 of 4 stars). 2 submissions from 2 submitters: Likely benign (2). Last evaluated 2026-09-01.

Allele frequency attached by ClinVar (database versions not stated): gnomAD 0.00006; TOPMed 0.00006; 1000 Genomes Project 30x 0.00016; 1000 Genomes Project 0.00020; gnomAD exomes 0.00002; ExAC 0.00003.
gnomAD v4.1: 37 of 1,613,274 alleles (0.0023%); highest among the groups gnomAD compares: East Asian, 0.0067%; no homozygotes.

Submissions (2):

CeGaT Center for Human Genetics Tuebingen
Classification: Likely benign. Last evaluated: 2026-09-01. Review status: criteria provided, single submitter. Criteria: CeGaT Center For Human Genetics Tuebingen Variant Classification Criteria Version 2. Collection method: clinical testing. Allele origin: germline. Affected: yes. Observed: 1 variant allele.
Comment: ZFP57: BP4, BP7

Labcorp Genetics (formerly Invitae), Labcorp
Classification: Likely benign. Last evaluated: 2023-11-19. Review status: criteria provided, single submitter. Criteria: Invitae Variant Classification Sherloc (09022015). Collection method: clinical testing. Allele origin: germline.